The following is an entry in ClinVar:

NM_007294.4(BRCA1):c.1733C>A (p.Ser578Tyr)

Gene: BRCA1 (BRCA1 DNA repair associated; minus strand). Cytogenetic location: 17q21.31.
Variant type: single nucleotide variant.
Coding change: c.1733C>A on transcript NM_007294.4 (MANE Select); coding-DNA position 1733, C replaced by A.
Protein change: p.Ser578Tyr; replaces serine 578 with tyrosine.
Molecular consequence: missense variant. On other transcripts: intron variant (137).
Genome position (GRCh38, 1-based): chr17:43,093,798, G>T on the plus strand (C>A on the coding strand, the complement: BRCA1 is on the minus strand). VCF-style: chr17-43093798-G-T. GRCh37 (hg19) VCF-style: chr17-41245815-G-T.
Other names: c.1520C>A, p.Ser507Tyr (NM_001407571.1, NM_001407853.1, NM_001407894.1 and 9 more transcripts); c.1733C>A, p.Ser578Tyr (NM_001407581.1, NM_001407582.1, NM_001407583.1 and 30 more transcripts); c.1730C>A, p.Ser577Tyr (NM_001407587.1, NM_001407590.1, NM_001407591.1 and 22 more transcripts); c.1724C>A, p.Ser575Tyr (NM_001407646.1, NM_001407647.1); c.1610C>A, p.Ser537Tyr (NM_001407648.1, NM_001407664.1, NM_001407665.1 and 19 more transcripts); c.1607C>A, p.Ser536Tyr (NM_001407649.1, NM_001407670.1, NM_001407671.1 and 11 more transcripts); c.1655C>A, p.Ser552Tyr (NM_001407653.1, NM_001407654.1, NM_001407655.1 and 4 more transcripts); c.1652C>A, p.Ser551Tyr (NM_001407659.1, NM_001407660.1, NM_001407661.1 and 1 more transcripts); and 40 more; short protein forms S578Y, S531Y, S466Y, S467Y, S508Y, S530Y, S551Y, S575Y.
Identifiers: ClinVar variation 54338 (VCV000054338.25), dbSNP rs80356939, ClinGen allele CA001138.

ClinVar aggregate classification (germline): Conflicting classifications of pathogenicity. Review status: criteria provided, conflicting classifications (1 of 4 stars). 6 submissions from 6 submitters: Uncertain significance (4); Likely benign (1). 1 of the submissions does not count toward it. Last evaluated 2025-02-03.

Conditions:
Hereditary cancer-predisposing syndrome. Also called: Tumor predisposition; Neoplastic Syndromes, Hereditary; Hereditary Cancer Syndrome; Hereditary neoplastic syndrome. Identifiers: Orphanet 140162, MedGen C0027672, MeSH D009386, MONDO:0015356.
Hereditary breast ovarian cancer syndrome. Also called: Hereditary breast and ovarian cancer syndrome (HBOC); Hereditary breast and ovarian cancer syndrome; Hereditary breast and ovarian cancer; Hereditary breast and/or ovarian cancer syndrome; Breast and ovarian cancer; BRCA1- and BRCA2-Associated Hereditary Breast and Ovarian Cancer. Identifiers: Orphanet 145, MedGen C0677776, MeSH D061325, MONDO:0003582. Disease mechanism: loss of function.
Breast-ovarian cancer, familial, susceptibility to, 1 (BROVCA1). Also called: OVARIAN CANCER, SUSCEPTIBILITY TO; BRCA1 Hereditary Breast and Ovarian Cancer. Identifiers: Orphanet 145, MedGen C2676676, MONDO:0011450, OMIM 604370. Disease mechanism: loss of function.

Allele frequency attached by ClinVar (database versions not stated): gnomAD exomes below 0.00001.
gnomAD v4.1: 5 of 1,613,590 alleles (0.00031%); highest among the groups gnomAD compares: Non-Finnish European, 0.00042%; no homozygotes.

Submissions (6):

Labcorp Genetics (formerly Invitae), Labcorp
Classification: Uncertain significance for Hereditary breast ovarian cancer syndrome. Last evaluated: 2025-02-03. Review status: criteria provided, single submitter. Criteria: Invitae Variant Classification Sherloc (09022015). Collection method: clinical testing. Allele origin: germline.
Comment: This sequence change replaces serine, which is neutral and polar, with tyrosine, which is neutral and polar, at codon 578 of the BRCA1 protein (p.Ser578Tyr). This variant is not present in population databases (gnomAD no frequency). This missense change has been observed in individual(s) with clinical features of BRCA1-related conditions (PMID: 10923033). ClinVar contains an entry for this variant (Variation ID: 54338). Invitae Evidence Modeling of protein sequence and biophysical properties (such as structural, functional, and spatial information, amino acid conservation, physicochemical variation, residue mobility, and thermodynamic stability) indicates that this missense variant is expected to disrupt BRCA1 protein function with a positive predictive value of 80%. In summary, the available evidence is currently insufficient to determine the role of this variant in disease. Therefore, it has been classified as a Variant of Uncertain Significance.

Ambry Genetics
Classification: Uncertain significance for Hereditary cancer-predisposing syndrome. Last evaluated: 2024-05-22. Review status: criteria provided, single submitter. Criteria: Ambry Variant Classification Scheme 2023. Collection method: clinical testing. Allele origin: germline.
Comment: The p.S578Y variant (also known as c.1733C>A), located in coding exon 9 of the BRCA1 gene, results from a C to A substitution at nucleotide position 1733. The serine at codon 578 is replaced by tyrosine, an amino acid with dissimilar properties. This amino acid position is well conserved in available vertebrate species. In addition, the in silico prediction for this alteration is inconclusive. Since supporting evidence is limited at this time, the clinical significance of this alteration remains unclear.

Blueprint Genetics
Classification: Uncertain significance. Last evaluated: 2024-03-19. Review status: criteria provided, single submitter. Criteria: ACMG Guidelines, 2015. Collection method: clinical testing. Allele origin: germline.

University of Washington Department of Laboratory Medicine, University of Washington
Classification: Likely benign for Hereditary cancer-predisposing syndrome. Last evaluated: 2023-03-23. Review status: criteria provided, single submitter. Criteria: Dines et al. (Genet Med. 2020). Collection method: curation. Allele origin: germline.
Comment: Missense variant in a coldspot region where missense variants are very unlikely to be pathogenic (PMID:31911673).

BRCA1 coldspot (exon 11 using historical exon numbering). Reclassification based on statistical prior probability

Color Diagnostics, LLC DBA Color Health
Classification: Uncertain significance for Hereditary cancer-predisposing syndrome. Last evaluated: 2022-08-09. Review status: criteria provided, single submitter. Criteria: ACMG Guidelines, 2015. Collection method: clinical testing. Allele origin: germline.
Comment: This missense variant replaces serine with tyrosine at codon 578 of the BRCA1 protein. Computational prediction is inconclusive regarding the impact of this variant on protein structure and function (internally defined REVEL score threshold 0.5 < inconclusive < 0.7, PMID: 27666373). To our knowledge, functional studies have not been reported for this variant. This variant has been reported in a multifactorial analysis with likelihood ratios for pathogenicity based on co-occurrence with a pathogenic variant and family history of 1.0331 and 0.7, respectively (PMID: 31131967). This variant has not been identified in the general population by the Genome Aggregation Database (gnomAD). The available evidence is insufficient to determine the role of this variant in disease conclusively. Therefore, this variant is classified as a Variant of Uncertain Significance.

Breast Cancer Information Core (BIC) (BRCA1)
Classification: Uncertain significance for Breast-ovarian cancer, familial 1. Last evaluated: 2004-02-20. Review status: no assertion criteria provided. Collection method: clinical testing. Allele origin: germline. Affected: yes. Observed: 1 variant allele. Not counted in ClinVar's aggregate classification.

Literature cited by the submitters: PubMed 10923033 (cited by Labcorp Genetics (formerly Invitae), Labcorp); PubMed 25011685 (cited by Ambry Genetics); PubMed 31131967 (cited by Color Diagnostics, LLC DBA Color Health).